The following is an entry in ClinVar:

ClinVar aggregate classification (germline): Uncertain significance (1 of 4 stars; one submission).

Conditions:
MHC class I deficiency. Identifiers: Orphanet 34592, MedGen C6024714, MONDO:0011476.

Allele frequency attached by ClinVar (database versions not stated): gnomAD exomes below 0.00001; TOPMed 0.00002.
gnomAD v4.1: 2 of 1,613,628 alleles (0.00012%); highest among the groups gnomAD compares: African/African-American, 0.0013%; no homozygotes.

Submission:

Labcorp Genetics (formerly Invitae), Labcorp
Classification: Uncertain significance for MHC class I deficiency 1. Last evaluated: 2024-01-04. Review status: criteria provided, single submitter. Criteria: Invitae Variant Classification Sherloc (09022015). Collection method: clinical testing. Allele origin: germline.
Comment: This sequence change replaces valine, which is neutral and non-polar, with isoleucine, which is neutral and non-polar, at codon 126 of the TAPBP protein (p.Val126Ile). This variant is present in population databases (no rsID available, gnomAD 0.007%). This variant has not been reported in the literature in individuals affected with TAPBP-related conditions. An algorithm developed to predict the effect of missense changes on protein structure and function (PolyPhen-2) suggests that this variant is likely to be tolerated. In summary, the available evidence is currently insufficient to determine the role of this variant in disease. Therefore, it has been classified as a Variant of Uncertain Significance.

NM_003190.5(TAPBP):c.376G>A (p.Val126Ile)

Gene: TAPBP (TAP binding protein; minus strand). Cytogenetic location: 6p21.32.
Variant type: single nucleotide variant.
Coding change: c.376G>A on transcript NM_003190.5 (MANE Select); coding-DNA position 376, G replaced by A.
Protein change: p.Val126Ile; replaces valine 126 with isoleucine.
Molecular consequence: missense variant. On other transcripts: intron variant (1).
Genome position (GRCh38, 1-based): chr6:33,313,310, C>T on the plus strand (G>A on the coding strand, the complement: TAPBP is on the minus strand). VCF-style: chr6-33313310-C-T. GRCh37 (hg19) VCF-style: chr6-33281087-C-T.
Other names: c.376G>A, p.Val126Ile (NM_001410875.1, NM_172208.3); c.208+384G>A (NM_172209.3); short protein forms V126I.
Identifiers: ClinVar variation 3022095 (VCV003022095.3), dbSNP rs1219859058, ClinGen allele CA363620856.